The following is an entry in ClinVar:

ClinVar aggregate classification (germline): Likely benign (1 of 4 stars; one submission).

Allele frequency attached by ClinVar (database versions not stated): 1000 Genomes Project 30x 0.00125.

Submission:

CeGaT Center for Human Genetics Tuebingen
Classification: Likely benign. Last evaluated: 2023-03-01. Review status: criteria provided, single submitter. Criteria: CeGaT Center For Human Genetics Tuebingen Variant Classification Criteria Version 2. Collection method: clinical testing. Allele origin: germline. Affected: yes. Observed: 1 variant allele.
Comment: FOXD4L5: BP4, BS2

NM_001126334.1(FOXD4L5):c.543C>T (p.Tyr181=)

Gene: FOXD4L5 (forkhead box D4 like 5; minus strand). Cytogenetic location: 9q21.11.
Variant type: single nucleotide variant.
Coding change: c.543C>T on transcript NM_001126334.1 (MANE Select); coding-DNA position 543, C replaced by T.
Protein change: p.Tyr181=; no amino-acid change (tyrosine 181 retained).
Molecular consequence: synonymous variant.
Genome position (GRCh38, 1-based): chr9:65,283,835, G>A on the plus strand (C>T on the coding strand, the complement: FOXD4L5 is on the minus strand). VCF-style: chr9-65283835-G-A. GRCh37 (hg19) VCF-style: chr9-70177441-G-A.
Identifiers: ClinVar variation 2659233 (VCV002659233.24), dbSNP rs1306778465, ClinGen allele CA465500394.